The following is an entry in ClinVar:

ClinVar aggregate classification (germline): Conflicting classifications of pathogenicity. Review status: criteria provided, conflicting classifications (1 of 4 stars). 7 submissions from 6 submitters: Uncertain significance (2); Likely benign (3). 2 of the submissions do not count toward it. Last evaluated 2026-02-04.

Conditions:
Weill-Marchesani syndrome. Also called: WM Syndrome; Mesodermal dysmorphodystrophy congenital. Identifiers: Orphanet 3449, MedGen C0265313, MONDO:0018096.
Glaucoma 3, primary congenital, D. Identifiers: Orphanet 98976, MedGen C2751316, MONDO:0013122, OMIM 613086.

Allele frequency attached by ClinVar (database versions not stated): 1000 Genomes Project 30x 0.00031; 1000 Genomes Project 0.00040; gnomAD exomes 0.00121; gnomAD 0.00128 and 0.00129; ESP Exome Variant Server 0.00136; TOPMed 0.00138.
gnomAD v4.1: 2,792 of 1,551,932 alleles (0.18%); highest among the groups gnomAD compares: Non-Finnish European, 0.21%; 3 homozygotes.

Submissions (7):

Labcorp Genetics (formerly Invitae), Labcorp
Classification: Likely benign. Last evaluated: 2026-02-04. Review status: criteria provided, single submitter. Criteria: Invitae Variant Classification Sherloc (09022015). Collection method: clinical testing. Allele origin: germline.

CeGaT Center for Human Genetics Tuebingen
Classification: Likely benign. Last evaluated: 2025-02-01. Review status: criteria provided, single submitter. Criteria: CeGaT Center For Human Genetics Tuebingen Variant Classification Criteria Version 2. Collection method: clinical testing. Allele origin: germline. Affected: yes. Observed: 3 variant alleles.
Comment: LTBP2: BP4, BP7

Blueprint Genetics
Classification: Likely benign. Last evaluated: 2024-11-14. Review status: criteria provided, single submitter. Criteria: ACMG Guidelines, 2015. Collection method: clinical testing. Allele origin: germline.

Illumina Laboratory Services, Illumina
Classification: Uncertain significance for Glaucoma 3, primary congenital, D. Last evaluated: 2018-01-12. Review status: criteria provided, single submitter. Criteria: ICSL Variant Classification Criteria 13 December 2019. Collection method: clinical testing. Allele origin: germline.

Illumina Laboratory Services, Illumina
Classification: Uncertain significance for Weill-Marchesani syndrome. Last evaluated: 2018-01-12. Review status: criteria provided, single submitter. Criteria: ICSL Variant Classification Criteria 13 December 2019. Collection method: clinical testing. Allele origin: germline.

Clinical Genetics DNA and cytogenetics Diagnostics Lab, Erasmus MC, Erasmus Medical Center
Classification: Likely benign. Review status: no assertion criteria provided. Collection method: clinical testing. Allele origin: germline. Affected: yes. Study: VKGL Data-share Consensus. Not counted in ClinVar's aggregate classification.

Diagnostic Laboratory, Department of Genetics, University Medical Center Groningen
Classification: Likely benign. Review status: no assertion criteria provided. Collection method: clinical testing. Allele origin: germline. Affected: yes. Study: VKGL Data-share Consensus. Not counted in ClinVar's aggregate classification.

NM_000428.3(LTBP2):c.2853G>A (p.Ser951=)

Gene: LTBP2 (latent transforming growth factor beta binding protein 2; minus strand). Cytogenetic location: 14q24.3.
Variant type: single nucleotide variant.
Coding change: c.2853G>A on transcript NM_000428.3 (MANE Select); coding-DNA position 2853, G replaced by A.
Protein change: p.Ser951=; no amino-acid change (serine 951 retained).
Molecular consequence: synonymous variant.
Genome position (GRCh38, 1-based): chr14:74,516,877, C>T on the plus strand (G>A on the coding strand, the complement: LTBP2 is on the minus strand). VCF-style: chr14-74516877-C-T. GRCh37 (hg19) VCF-style: chr14-74983580-C-T.
Identifiers: ClinVar variation 314290 (VCV000314290.43), dbSNP rs151176143, ClinGen allele CA7269371.